The following is an entry in ClinVar:

NM_001127208.3(TET2):c.3936_3954+153del

Genes: TET2 (tet methylcytosine dioxygenase 2; plus strand), TET2-AS1 (TET2 antisense RNA 1; minus strand). Cytogenetic location: 4q24.
Variant type: Deletion.
Coding change: c.3936_3954+153del on transcript NM_001127208.3 (MANE Select); coding-DNA position 3936 through 153 bases into the intron after coding-DNA position 3954, 172 bases deleted.
Molecular consequence: splice donor variant.
Genome position (GRCh38, 1-based): chr4:105,259,751-105,259,922, 172 bases deleted. GRCh37 (hg19): chr4:106,180,908-106,181,079.
Identifiers: ClinVar variation 2693929 (VCV002693929.3), dbSNP rs2476623405, ClinGen allele CA2697546816.

ClinVar aggregate classification (germline): Likely pathogenic (1 of 4 stars; one submission).

Submission:

Labcorp Genetics (formerly Invitae), Labcorp
Classification: Likely pathogenic. Last evaluated: 2023-11-06. Review status: criteria provided, single submitter. Criteria: Invitae Variant Classification Sherloc (09022015). Collection method: clinical testing. Allele origin: germline.
Comment: This variant results in the deletion of part of exon 7 (c.3936_3954+153del) of the TET2 gene. It is expected to disrupt RNA splicing. Variants that disrupt the donor or acceptor splice site typically lead to a loss of protein function (PMID: 16199547), and loss-of-function variants in TET2 are known to be pathogenic (PMID: 36066697). This variant is not present in population databases (gnomAD no frequency). This variant has not been reported in the literature in individuals affected with TET2-related conditions. In summary, the currently available evidence indicates that the variant is pathogenic, but additional data are needed to prove that conclusively. Therefore, this variant has been classified as Likely Pathogenic.

Literature cited by the submitters: PubMed 16199547; PubMed 36066697.